The following is an entry in ClinVar:

ClinVar aggregate classification (germline): Uncertain significance (1 of 4 stars; one submission).

Conditions:
Intellectual disability, X-linked 49 (MRXSRC). Also called: MRX49; MENTAL RETARDATION, X-LINKED 15; CLCN4-Related Neurodevelopmental Disorder; CLCN4-related X-linked intellectual disability syndrome; RAYNAUD-CLAES SYNDROME. Identifiers: Orphanet 485350, Orphanet 777, MedGen C0796221, MONDO:0010250, OMIM 300114.

Submission:

3billion
Classification: Uncertain significance for Intellectual disability, X-linked 49. Last evaluated: 2025-04-09. Review status: criteria provided, single submitter. Criteria: ACMG Guidelines, 2015. Collection method: clinical testing. Allele origin: germline. Affected: yes.
Comment: The variant is not observed in the gnomAD v4.1.0 dataset.Predicted Consequence/Location: Missense variant. Missense changes are a common disease-causing mechanism. In silico tool predictions suggest damaging effect of the variant on gene or gene product [3Cnet: 0.98 (> 0.75, sensitivity 0.96 and precision 0.92)]. Therefore, this variant is classified as VUS according to the recommendation of ACMG/AMP guideline.

NM_001830.4(CLCN4):c.1790C>T (p.Thr597Ile)

Gene: CLCN4 (Cl-/H+ antiporter 4; plus strand). Cytogenetic location: Xp22.2.
Variant type: single nucleotide variant.
Coding change: c.1790C>T on transcript NM_001830.4 (MANE Select); coding-DNA position 1790, C replaced by T.
Protein change: p.Thr597Ile; replaces threonine 597 with isoleucine.
Molecular consequence: missense variant.
Genome position (GRCh38, 1-based): chrX:10,213,894, C>T. VCF-style: chrX-10213894-C-T. GRCh37 (hg19) VCF-style: chrX-10181934-C-T.
Other names: c.1508C>T, p.Thr503Ile (NM_001256944.2); short protein forms T503I, T597I.
Identifiers: ClinVar variation 4292324 (VCV004292324.1).